The following is an entry in ClinVar:

NM_138694.4(PKHD1):c.7893del (p.Leu2630_Trp2631insTer)

Gene: PKHD1 (PKHD1 ciliary IPT domain containing fibrocystin/polyductin; minus strand). Cytogenetic location: 6p12.2.
Variant type: Deletion.
Coding change: c.7893del on transcript NM_138694.4 (MANE Select); coding-DNA position 7893, one base deleted (G; older notation c.7893delG).
Protein change: p.Leu2630_Trp2631insTer.
Molecular consequence: nonsense.
Genome position (GRCh38, 1-based): chr6:51,855,911, C deleted on the plus strand (G on the coding strand, the reverse complement: PKHD1 is on the minus strand); the first of 2 consecutive C bases (chr6:51,855,911-51,855,912); deleting either gives the same sequence. VCF-style (leftmost placement, unchanged base first): chr6-51855910-TC-T. GRCh37 (hg19) VCF-style: chr6-51720708-TC-T.
Other names: c.7893del, p.Leu2630_Trp2631insTer (NM_170724.3); c.7893del (NM_138694.3); c.7893delG (NM_138694.3).
Identifiers: ClinVar variation 370585 (VCV000370585.5), dbSNP rs1057516607, ClinGen allele CA16041038.
Genomic context (GRCh38, chr6:51,855,910, plus strand): 5'-AAATGAGAATGCAGCATACCAACTAATGGATTCCTTGGGTTACCTGCAGAGATCTGTTGA[TC>T]CAAAGGTTCTCAGATTGCAATGAGTAGGTCTCTTGGTCCAAGAGCAGAGCCATCCAGCCA-3'

ClinVar aggregate classification (germline): Likely pathogenic. Review status: criteria provided, single submitter (1 of 4 stars). 2 submissions from 2 submitters: Likely pathogenic (1). 1 of the submissions does not count toward it. Last evaluated 2025-05-12.

Conditions:
Polycystic kidney disease 4 (PKD4). Also called: POLYCYSTIC KIDNEY AND HEPATIC DISEASE 1; POLYCYSTIC KIDNEY DISEASE, INFANTILE, TYPE I; POLYCYSTIC KIDNEY DISEASE 4 WITH OR WITHOUT POLYCYSTIC LIVER DISEASE; PKD3; Autosomal Recessive Polycystic Kidney Disease – PKHD1. Identifiers: MedGen C4540575, MONDO:0033004, OMIM 263200.
Autosomal recessive polycystic kidney disease (ARPKD). Also called: AR polycystic kidney disease. Identifiers: Orphanet 731, Orphanet 8378, MedGen C0085548, MeSH D017044, MONDO:0009889.

Submissions (2):

Natera, Inc.
Classification: Likely pathogenic for Autosomal recessive polycystic kidney disease. Last evaluated: 2025-05-12. Review status: criteria provided, single submitter. Criteria: Natera Variant Classification Schema (03/2026). Collection method: clinical testing. Allele origin: germline.
Comment: The c.7893del variant in PKHD1 is a frameshift variant predicted to shift the reading frame and introduce a stop codon. This variant is expected to result in nonsense mediated decay, truncation, or a dysfunctional protein product. This variant is rare in the general population with a frequency below the threshold expected for the associated phenotype(s). Given the available evidence, this variant is classified as Likely Pathogenic.

Counsyl
Classification: Likely pathogenic for Polycystic kidney disease 4. Last evaluated: 2016-03-03. Review status: no assertion criteria provided. Collection method: clinical testing. Allele origin: unknown. Not counted in ClinVar's aggregate classification.